The following is an entry in ClinVar:

NM_000173.7(GP1BA):c.580C>T (p.Leu194Phe)

Gene: GP1BA (glycoprotein Ib platelet subunit alpha; plus strand). Cytogenetic location: 17p13.2.
Variant type: single nucleotide variant.
Coding change: c.580C>T on transcript NM_000173.7 (MANE Select); coding-DNA position 580, C replaced by T.
Protein change: p.Leu194Phe; replaces leucine 194 with phenylalanine.
Molecular consequence: missense variant.
Genome position (GRCh38, 1-based): chr17:4,933,184, C>T. VCF-style: chr17-4933184-C-T. GRCh37 (hg19) VCF-style: chr17-4836479-C-T.
Other names: short protein forms L194F.
Identifiers: ClinVar variation 1693270 (VCV001693270.8), dbSNP rs368111193, ClinGen allele CA8314801.

ClinVar aggregate classification (germline): Conflicting classifications of pathogenicity. Review status: criteria provided, conflicting classifications (1 of 4 stars). 4 submissions from 4 submitters: Uncertain significance (2); Likely benign (1). 1 of the submissions does not count toward it. Last evaluated 2025-09-04.

Conditions:
Pseudo von Willebrand disease (VWDP). Also called: BLEEDING DISORDER, PLATELET-TYPE, 3; Platelet-type von Willebrand disease. Identifiers: Orphanet 52530, MedGen C1280798, MONDO:0008332, OMIM 177820.

Allele frequency attached by ClinVar (database versions not stated): TOPMed 0.00003; gnomAD 0.00005 and 0.00006; gnomAD exomes 0.00005; ExAC 0.00007; ESP Exome Variant Server 0.00025.
gnomAD v4.1: 64 of 1,613,898 alleles (0.004%); highest among the groups gnomAD compares: Non-Finnish European, 0.0047%; no homozygotes.

Submissions (4):

Labcorp Genetics (formerly Invitae), Labcorp
Classification: Uncertain significance. Last evaluated: 2025-09-04. Review status: criteria provided, single submitter. Criteria: Invitae Variant Classification Sherloc (09022015). Collection method: clinical testing. Allele origin: germline.
Comment: This sequence change replaces leucine, which is neutral and non-polar, with phenylalanine, which is neutral and non-polar, at codon 194 of the GP1BA protein (p.Leu194Phe). This variant is present in population databases (rs368111193, gnomAD 0.01%). This missense change has been observed in individual(s) with clinical features of autosomal dominant platelet type von Willebrand disease (PMID: 37592722). ClinVar contains an entry for this variant (Variation ID: 1693270). Invitae Evidence Modeling of protein sequence and biophysical properties (such as structural, functional, and spatial information, amino acid conservation, physicochemical variation, residue mobility, and thermodynamic stability) indicates that this missense variant is not expected to disrupt GP1BA protein function with a negative predictive value of 95%. In summary, the available evidence is currently insufficient to determine the role of this variant in disease. Therefore, it has been classified as a Variant of Uncertain Significance.

Dasa
Classification: Uncertain significance. Last evaluated: 2024-07-25. Review status: criteria provided, single submitter. Criteria: DASA Assertion Criteria. Collection method: clinical testing. Allele origin: germline.
Comment: NM_000173.7(GP1BA):c.580C>T (p.Leu194Phe) is a missense variant that results in the substitution of leucine with phenylalanine. This variant is rare in population databases. Computational prediction algorithms are consistent with a benign effect. The currently available literature and clinical evidence are not sufficient to establish a definitive association between this variant and the reported condition. Therefore, this variant is classified as a variant of uncertain significance.

Blueprint Genetics
Classification: Likely benign. Last evaluated: 2023-07-18. Review status: criteria provided, single submitter. Criteria: ACMG Guidelines, 2015. Collection method: clinical testing. Allele origin: germline.

Unidade de Genética Molecular, Centro Hospitalar Universitário do Porto
Classification: Uncertain significance for Pseudo von Willebrand disease. Last evaluated: 2022-07-05. Review status: no assertion criteria provided. Collection method: research. Allele origin: unknown. Inheritance: Autosomal dominant inheritance. Affected: yes. Observed: 1 heterozygote. Not counted in ClinVar's aggregate classification.

Literature cited by the submitters: PubMed 37592722 (cited by Labcorp Genetics (formerly Invitae), Labcorp).